The following is an entry in ClinVar:

ClinVar aggregate classification (germline): Uncertain significance (1 of 4 stars; one submission).

gnomAD v4.1: 1 of 1,614,146 alleles (0.000062%); highest among the groups gnomAD compares: South Asian, 0.0011%; no homozygotes.

Submission:

Labcorp Genetics (formerly Invitae), Labcorp
Classification: Uncertain significance. Last evaluated: 2025-05-04. Review status: criteria provided, single submitter. Criteria: Invitae Variant Classification Sherloc (09022015). Collection method: clinical testing. Allele origin: germline.
Comment: This sequence change replaces methionine, which is neutral and non-polar, with isoleucine, which is neutral and non-polar, at codon 384 of the ADGRE2 protein (p.Met384Ile). This variant is not present in population databases (gnomAD no frequency). This variant has not been reported in the literature in individuals affected with ADGRE2-related conditions. ClinVar contains an entry for this variant (Variation ID: 3697779). An algorithm developed to predict the effect of missense changes on protein structure and function (PolyPhen-2) suggests that this variant is likely to be disruptive. In summary, the available evidence is currently insufficient to determine the role of this variant in disease. Therefore, it has been classified as a Variant of Uncertain Significance.

NM_013447.4(ADGRE2):c.1152G>A (p.Met384Ile)

Gene: ADGRE2 (adhesion G protein-coupled receptor E2; minus strand). Cytogenetic location: 19p13.12.
Variant type: single nucleotide variant.
Coding change: c.1152G>A on transcript NM_013447.4 (MANE Select); coding-DNA position 1152, G replaced by A.
Protein change: p.Met384Ile; replaces methionine 384 with isoleucine.
Molecular consequence: missense variant.
Genome position (GRCh38, 1-based): chr19:14,756,278, C>T on the plus strand (G>A on the coding strand, the complement: ADGRE2 is on the minus strand). VCF-style: chr19-14756278-C-T. GRCh37 (hg19) VCF-style: chr19-14867090-C-T.
Other names: c.1152G>A, p.Met384Ile (NM_001271052.1); c.1005G>A, p.Met335Ile (NM_152916.2); c.873G>A, p.Met291Ile (NM_152917.2); short protein forms M384I, M335I, M291I.
Identifiers: ClinVar variation 3697779 (VCV003697779.2).
Genomic context (GRCh38, chr19:14,756,278, plus strand): 5'-CTCCCCATCTCAGCCATTACCTGGGTCACCAGATTTCTGTGCCTGATTCCAGTCGAGCTG[C>T]ATCACTGCCTGATTCTGTCTCAAGGTGACACTCCTGTCTACTTGCTTCTGCACCTCCAGG-3'
Protein context (NP_038475.2, residues 374-394): SVTLRQNQAV[Met384Ile]QLDWNQAQKS